The following is an entry in ClinVar:

ClinVar aggregate classification (germline): Likely benign (1 of 4 stars; one submission).

Allele frequency attached by ClinVar (database versions not stated): gnomAD 0.00015; TOPMed 0.00017.
gnomAD v4.1: 372 of 1,387,216 alleles (0.027%); highest among the groups gnomAD compares: Non-Finnish European, 0.034%; no homozygotes.

Submission:

CeGaT Center for Human Genetics Tuebingen
Classification: Likely benign. Last evaluated: 2023-02-01. Review status: criteria provided, single submitter. Criteria: CeGaT Center For Human Genetics Tuebingen Variant Classification Criteria Version 2. Collection method: clinical testing. Allele origin: germline. Affected: yes. Observed: 1 variant allele.
Comment: FDFT1: BP4, BP7

NM_004462.5(FDFT1):c.100-208C>T

Genes: FDFT1 (farnesyl-diphosphate farnesyltransferase 1), LOC129999907 (ATAC-STARR-seq lymphoblastoid silent region 18943; plus strand). Cytogenetic location: 8p23.1.
Variant type: single nucleotide variant.
Coding change: c.100-208C>T on transcript NM_004462.5 (MANE Select); 208 bases into the intron before coding-DNA position 100, C replaced by T.
Molecular consequence: intron variant. On other transcripts: synonymous variant (1).
Genome position (GRCh38, 1-based): chr8:11,808,586, C>T. VCF-style: chr8-11808586-C-T. GRCh37 (hg19) VCF-style: chr8-11666095-C-T.
Other names: c.69C>T, p.Ala23= (NM_001287750.2); c.100-208C>T (NM_001287742.2, NM_001287743.2); c.-93-208C>T (NM_001287744.2, NM_001287745.2, NM_001287747.2 and 2 more transcripts); c.64+5676C>T (NM_001287756.2).
Identifiers: ClinVar variation 2658413 (VCV002658413.23), dbSNP rs751580960, ClinGen allele CA172130908.